The following is an entry in ClinVar:

ClinVar aggregate classification (germline): Uncertain significance (1 of 4 stars; one submission).

Allele frequency attached by ClinVar (database versions not stated): ExAC 0.00001; gnomAD 0.00001; gnomAD exomes 0.00001 and 0.00002; TOPMed 0.00003.

Submission:

Labcorp Genetics (formerly Invitae), Labcorp
Classification: Uncertain significance. Last evaluated: 2022-07-19. Review status: criteria provided, single submitter. Criteria: Invitae Variant Classification Sherloc (09022015). Collection method: clinical testing. Allele origin: germline.
Comment: This sequence change replaces methionine, which is neutral and non-polar, with valine, which is neutral and non-polar, at codon 1954 of the FAT4 protein (p.Met1954Val). This variant is present in population databases (rs758232234, gnomAD 0.01%). This variant has not been reported in the literature in individuals affected with FAT4-related conditions. ClinVar contains an entry for this variant (Variation ID: 1397288). Advanced modeling of protein sequence and biophysical properties (such as structural, functional, and spatial information, amino acid conservation, physicochemical variation, residue mobility, and thermodynamic stability) performed at Invitae indicates that this missense variant is not expected to disrupt FAT4 protein function. In summary, the available evidence is currently insufficient to determine the role of this variant in disease. Therefore, it has been classified as a Variant of Uncertain Significance.

NM_001291303.3(FAT4):c.5860A>G (p.Met1954Val)

Gene: FAT4 (FAT atypical cadherin 4; plus strand). Cytogenetic location: 4q28.1.
Variant type: single nucleotide variant.
Coding change: c.5860A>G on transcript NM_001291303.3 (MANE Select); coding-DNA position 5860, A replaced by G.
Protein change: p.Met1954Val; replaces methionine 1954 with valine.
Molecular consequence: missense variant.
Genome position (GRCh38, 1-based): chr4:125,408,734, A>G. VCF-style: chr4-125408734-A-G. GRCh37 (hg19) VCF-style: chr4-126329889-A-G.
Other names: c.5860A>G, p.Met1954Val (NM_001291285.3, NM_024582.6); short protein forms M1954V.
Identifiers: ClinVar variation 1397288 (VCV001397288.5), dbSNP rs758232234, ClinGen allele CA3072809.